The following is an entry in ClinVar:

ClinVar aggregate classification (germline): Likely pathogenic. Review status: criteria provided, multiple submitters, no conflicts (2 of 4 stars). 2 submissions from 2 submitters: Likely pathogenic (2). Last evaluated 2024-09-04.

Conditions:
Dent disease type 1 (DENT1). Also called: NEPHROLITHIASIS 2; NEPHROLITHIASIS, HYPERCALCIURIC, X-LINKED. Identifiers: Orphanet 1652, Orphanet 93622, MedGen C1848336, MONDO:0010225, OMIM 300009.
Proteinuria, low molecular weight, with hypercalciuria and nephrocalcinosis. Identifiers: Orphanet 1652, Orphanet 93622, MedGen C1839874, MONDO:0010644, OMIM 308990.

Submissions (2):

Genetics Department, Catlab
Classification: Likely pathogenic for Dent disease type 1. Last evaluated: 2024-09-04. Review status: criteria provided, single submitter. Criteria: ACMG Guidelines, 2015. Collection method: clinical testing. Allele origin: germline. Affected: yes. Observed: 1 variant allele.
Comment: The c.2060dup variant in the CLCN5 gene is a loss of function variant predicted to undergo nonsense mediated decay and loss of function variants have been described as a causing mechanism for the gene (PVS1). Moreover, the variant is absent from the gnomAD 4.1 database of common variants (PM2). With all the available evidence, the variant is classified as likely pathogenic.

3billion
Classification: Likely pathogenic for Proteinuria, low molecular weight, with hypercalciuria and nephrocalcinosis. Last evaluated: 2022-05-22. Review status: criteria provided, single submitter. Criteria: ACMG Guidelines, 2015. Collection method: clinical testing. Allele origin: germline. Affected: yes. Observed: 1 hemizygote.
Comment: The variant is not observed in the gnomAD v2.1.1 dataset. Stop-gained (nonsense): predicted to result in a loss or disruption of normal protein function through nonsense-mediated decay (NMD) or protein truncation. Multiple pathogenic variants are reported downstream of the variant. Therefore, this variant is classified as likely pathogenic according to the recommendation of ACMG/AMP guideline.

NM_001127898.4(CLCN5):c.2060dup (p.Tyr687Ter)

Genes: CLCN5 (Cl-/H+ antiporter 5; plus strand), LOC126863258 (BRD4-independent group 4 enhancer GRCh37_chrX:49854497-49855696; plus strand). Cytogenetic location: Xp11.23.
Variant type: Duplication.
Coding change: c.2060dup on transcript NM_001127898.4 (MANE Select); coding-DNA position 2060, one base duplicated (A; older notation c.2060dupA).
Protein change: p.Tyr687Ter; replaces tyrosine 687 with a stop codon.
Molecular consequence: nonsense.
Genome position (GRCh38, 1-based): chrX:50,090,431, A duplicated. VCF-style (leftmost placement, unchanged base first): chrX-50090430-T-TA. GRCh37 (hg19) VCF-style: chrX-49855087-T-TA.
Other names: c.1850dup, p.Tyr617Ter (NM_000084.5); c.2060dup, p.Tyr687Ter (NM_001127899.4); c.1910dup, p.Tyr637Ter (NM_001282163.2); short protein forms Y617*, Y637*, Y687*.
Identifiers: ClinVar variation 1687338 (VCV001687338.2), dbSNP rs2147606263, ClinGen allele CA2573158926.